The following is an entry in ClinVar:

ClinVar aggregate classification (germline): Likely benign. Review status: criteria provided, multiple submitters, no conflicts (2 of 4 stars). 6 submissions from 5 submitters: Likely benign (6). Last evaluated 2025-12-24.

Conditions:
Charcot-Marie-Tooth disease axonal type 2O. Also called: Charcot-Marie-Tooth Neuropathy Type 2O; Charcot-Marie-Tooth disease, axonal, type 20; CHARCOT-MARIE-TOOTH NEUROPATHY, AXONAL, TYPE 2O; CHARCOT-MARIE-TOOTH DISEASE, AXONAL, AUTOSOMAL DOMINANT, TYPE 2O. Identifiers: Orphanet 284232, MedGen C3280220, MONDO:0013644, OMIM 614228.
Autosomal dominant cerebellar ataxia. Also called: Spinocerebellar Ataxia, Dominant. Identifiers: Orphanet 99, MedGen C4087347, MONDO:0020380.
Inborn genetic diseases. Identifiers: MedGen C0950123, MeSH D030342.

Allele frequency attached by ClinVar (database versions not stated): gnomAD 0.00001; TOPMed 0.00002; gnomAD exomes 0.00004; ExAC 0.00005.
gnomAD v4.1: 30 of 1,614,120 alleles (0.0019%); highest among the groups gnomAD compares: Middle Eastern, 0.099%; 1 homozygote.

Submissions (6):

Labcorp Genetics (formerly Invitae), Labcorp
Classification: Likely benign for Charcot-Marie-Tooth disease axonal type 2O. Last evaluated: 2025-12-24. Review status: criteria provided, single submitter. Criteria: Invitae Variant Classification Sherloc (09022015). Collection method: clinical testing. Allele origin: germline.

CeGaT Center for Human Genetics Tuebingen
Classification: Likely benign. Last evaluated: 2024-11-01. Review status: criteria provided, single submitter. Criteria: CeGaT Center For Human Genetics Tuebingen Variant Classification Criteria Version 2. Collection method: clinical testing. Allele origin: germline. Affected: yes. Observed: 1 variant allele.
Comment: DYNC1H1: BP4, BP7

Ambry Genetics
Classification: Likely benign for Inborn genetic diseases. Last evaluated: 2018-02-07. Review status: criteria provided, single submitter. Criteria: Ambry Variant Classification Scheme 2023. Collection method: clinical testing. Allele origin: germline.

Illumina Laboratory Services, Illumina
Classification: Likely benign for Spinocerebellar Ataxia, Dominant. Last evaluated: 2018-01-12. Review status: criteria provided, single submitter. Criteria: ICSL Variant Classification Criteria 13 December 2019. Collection method: clinical testing. Allele origin: germline.
Comment: This variant was observed in the ICSL laboratory as part of a predisposition screen in an ostensibly healthy population. It had not been previously curated by ICSL or reported in the Human Gene Mutation Database (HGMD: prior to June 1st, 2018), and was therefore a candidate for classification through an automated scoring system. Utilizing variant allele frequency, disease prevalence and penetrance estimates, and inheritance mode, an automated score was calculated to assess if this variant is too frequent to cause the disease. Based on the score and internal cut-off values, a variant classified as likely benign is not then subjected to further curation. The score for this variant resulted in a classification of likely benign for this disease.

Illumina Laboratory Services, Illumina
Classification: Likely benign for Charcot-Marie-Tooth disease axonal type 2O. Last evaluated: 2018-01-12. Review status: criteria provided, single submitter. Criteria: ICSL Variant Classification Criteria 13 December 2019. Collection method: clinical testing. Allele origin: germline.
Comment: the same text as in the submission from Illumina Laboratory Services, Illumina above.

Breakthrough Genomics
Classification: Likely benign. Review status: criteria provided, single submitter. Criteria: ACMG Guidelines, 2015. Collection method: not provided. Allele origin: germline. Inheritance: Autosomal dominant inheritance. Affected: yes.

NM_001376.5(DYNC1H1):c.5472C>T (p.Ser1824=)

Gene: DYNC1H1 (dynein cytoplasmic 1 heavy chain 1; plus strand). Cytogenetic location: 14q32.31.
Variant type: single nucleotide variant.
Coding change: c.5472C>T on transcript NM_001376.5 (MANE Select); coding-DNA position 5472, C replaced by T.
Protein change: p.Ser1824=; no amino-acid change (serine 1824 retained).
Molecular consequence: synonymous variant.
Genome position (GRCh38, 1-based): chr14:102,005,926, C>T. VCF-style: chr14-102005926-C-T. GRCh37 (hg19) VCF-style: chr14-102472263-C-T.
Identifiers: ClinVar variation 312633 (VCV000312633.31), dbSNP rs769577090, ClinGen allele CA7352435.
Genomic context (GRCh38, chr14:102,005,926, plus strand): 5'-TAAAGTGACTCTCTTTCTTCAGATTACAGAGTTGGTTCACCAGAGAGATGTTACAAGGTC[C>T]TTGATCAAAAGCAAGATTGACAACGCCAAATCTTTTGAATGGCTCAGCCAGATGCGATTT-3'
Protein context (NP_001367.2, residues 1814-1834): ELVHQRDVTR[Ser1824=]LIKSKIDNAK